The following is an entry in ClinVar:

ClinVar aggregate classification (germline): Uncertain significance. Review status: criteria provided, multiple submitters, no conflicts (2 of 4 stars). 2 submissions from 2 submitters: Uncertain significance (2). Last evaluated 2022-03-09.

Conditions:
Endometrial carcinoma. Also called: Endometrial carcinoma, somatic. Identifiers: MedGen C0476089, MONDO:0002447, OMIM 608089, HP:0012114.
Lynch syndrome 5 (LYNCH5). Also called: Hereditary non-polyposis colorectal cancer, type 5; Colorectal cancer, hereditary nonpolyposis, type 5. Identifiers: Orphanet 144, MedGen C1833477, MONDO:0013710, OMIM 614350. Disease mechanism: loss of function.
Mismatch repair cancer syndrome 3. Identifiers: MedGen C5436807, MONDO:0030841, OMIM 619097.
Hereditary nonpolyposis colorectal neoplasms. Identifiers: MedGen C0009405, MeSH D003123.

Submissions (2):

Labcorp Genetics (formerly Invitae), Labcorp
Classification: Uncertain significance for Hereditary nonpolyposis colorectal neoplasms. Last evaluated: 2022-03-09. Review status: criteria provided, single submitter. Criteria: Invitae Variant Classification Sherloc (09022015). Collection method: clinical testing. Allele origin: germline.
Comment: In summary, the available evidence is currently insufficient to determine the role of this variant in disease. Therefore, it has been classified as a Variant of Uncertain Significance. Advanced modeling of protein sequence and biophysical properties (such as structural, functional, and spatial information, amino acid conservation, physicochemical variation, residue mobility, and thermodynamic stability) performed at Invitae indicates that this missense variant is not expected to disrupt MSH6 protein function. This variant has not been reported in the literature in individuals affected with MSH6-related conditions. This variant is not present in population databases (gnomAD no frequency). This sequence change replaces proline, which is neutral and non-polar, with leucine, which is neutral and non-polar, at codon 59 of the MSH6 protein (p.Pro59Leu).

Department of Pathology and Laboratory Medicine, Sinai Health System
Classification: Uncertain significance for Endometrial carcinoma; Lynch syndrome 5; Mismatch repair cancer syndrome 3. Last evaluated: 2020-10-30. Review status: criteria provided, single submitter. Criteria: ACMG Guidelines, 2015. Collection method: clinical testing. Allele origin: germline. Affected: no.

NM_000179.3(MSH6):c.176C>T (p.Pro59Leu)

Gene: MSH6 (mutS homolog 6; plus strand). Cytogenetic location: 2p16.3.
Variant type: single nucleotide variant.
Coding change: c.176C>T on transcript NM_000179.3 (MANE Select); coding-DNA position 176, C replaced by T.
Protein change: p.Pro59Leu; replaces proline 59 with leucine.
Molecular consequence: missense variant. On other transcripts: 5 prime UTR variant (1).
Genome position (GRCh38, 1-based): chr2:47,783,409, C>T. VCF-style: chr2-47783409-C-T. GRCh37 (hg19) VCF-style: chr2-48010548-C-T.
Other names: c.176C>T, p.Pro59Leu (NM_001281492.2, NM_001406795.1, NM_001406796.1 and 9 more transcripts); c.-561C>T (NM_001281493.2, NM_001406811.1); c.-153C>T (NM_001406799.1); c.121C>T, p.Pro41Ser (NM_001406804.1); c.-753C>T (NM_001406807.1); c.-408C>T (NM_001406812.1); c.-819C>T (NM_001406814.1); c.-364C>T (NM_001406816.1); short protein forms P59L, P41S.
Identifiers: ClinVar variation 1974899 (VCV001974899.6), dbSNP rs1668129135, ClinGen allele CA346735005.